The following is an entry in ClinVar:

NM_000052.7(ATP7A):c.420_423delinsCTGTCTCTTATACACAT (p.Lys140fs)

Gene: ATP7A (ATPase copper transporting alpha; plus strand). Cytogenetic location: Xq21.1.
Variant type: Indel.
Coding change: c.420_423delinsCTGTCTCTTATACACAT on transcript NM_000052.7 (MANE Select); coding-DNA positions 420 to 423, AGAG replaced by CTGTCTCTTATACACAT.
Protein change: p.Lys140fs; shifts the reading frame from lysine 140.
Molecular consequence: frameshift variant.
Genome position (GRCh38, 1-based): chrX:77,988,541-77,988,544, AGAG replaced by CTGTCTCTTATACACAT. VCF-style: chrX-77988541-AGAG-CTGTCTCTTATACACAT. GRCh37 (hg19) VCF-style: chrX-77244037-AGAG-CTGTCTCTTATACACAT.
Other names: c.420_423delinsCTGTCTCTTATACACAT, p.Lys140fs (NM_001282224.2); short protein forms K140fs.
Identifiers: ClinVar variation 1724174 (VCV001724174.3), dbSNP rs797045397, ClinGen allele CA2580101442.

ClinVar aggregate classification (germline): Likely pathogenic (1 of 4 stars; one submission).

Conditions:
Menkes kinky-hair syndrome (MNK). Also called: Copper transport disease; Classic Menkes Disease; Menkes Disease. Identifiers: Orphanet 565, MedGen C0022716, MONDO:0010651, OMIM 309400.

Submission:

Myriad Genetics, Inc.
Classification: Likely pathogenic for Menkes kinky-hair syndrome. Last evaluated: 2022-01-30. Review status: criteria provided, single submitter. Criteria: Myriad Autosomal Dominant, Autosomal Recessive and X-Linked Classification Criteria (2023). Collection method: clinical testing. Allele origin: unknown.
Comment: NM_000052.5(ATP7A):c.420_423del4ins17(K140Nfs*26) is expected to be pathogenic in the context of ATP7A-related disorders. This variant is predicted to lead to an abnormal or absent protein product due to the creation of a premature termination codon in ATP7A, a gene where loss-of-function variants are known to be pathogenic. Please note: this variant was assessed in the context of healthy population screening.